The following is an entry in ClinVar:

ClinVar aggregate classification (germline): Likely benign (0 of 4 stars; one submission).

Conditions:
GON4L-related disorder. Also called: GON4L-related condition.

Allele frequency attached by ClinVar (database versions not stated): ExAC 0.00082; 1000 Genomes Project 0.00160; gnomAD 0.00186; 1000 Genomes Project 30x 0.00187.
gnomAD v4.1: 945 of 1,614,058 alleles (0.059%); highest among the groups gnomAD compares: African/African-American, 0.45%; 4 homozygotes.

Submission:

PreventionGenetics, part of Exact Sciences
Classification: Likely benign for GON4L-related condition. Last evaluated: 2022-07-06. Review status: no assertion criteria provided. Collection method: clinical testing. Allele origin: germline.
Comment: This variant is classified as likely benign based on ACMG/AMP sequence variant interpretation guidelines (Richards et al. 2015 PMID: 25741868, with internal and published modifications).

NM_001282860.2(GON4L):c.3223G>A (p.Val1075Met)

Gene: GON4L (gon-4 like; minus strand). Cytogenetic location: 1q22.
Variant type: single nucleotide variant.
Coding change: c.3223G>A on transcript NM_001282860.2 (MANE Select); coding-DNA position 3223, G replaced by A.
Protein change: p.Val1075Met; replaces valine 1075 with methionine.
Molecular consequence: missense variant.
Genome position (GRCh38, 1-based): chr1:155,766,250, C>T on the plus strand (G>A on the coding strand, the complement: GON4L is on the minus strand). VCF-style: chr1-155766250-C-T. GRCh37 (hg19) VCF-style: chr1-155736041-C-T.
Other names: c.3223G>A, p.Val1075Met (NM_001282856.2, NM_001282858.2, NM_001282861.2 and 1 more transcripts); short protein forms V1075M.
Identifiers: ClinVar variation 3043150 (VCV003043150.2), dbSNP rs185584587, ClinGen allele CA1150652.